The following is an entry in ClinVar:

NM_001110556.2(FLNA):c.6215C>G (p.Thr2072Ser)

Gene: FLNA (filamin A; minus strand). Cytogenetic location: Xq28.
Variant type: single nucleotide variant.
Coding change: c.6215C>G on transcript NM_001110556.2 (MANE Select); coding-DNA position 6215, C replaced by G.
Protein change: p.Thr2072Ser; replaces threonine 2072 with serine.
Molecular consequence: missense variant.
Genome position (GRCh38, 1-based): chrX:154,353,012, G>C on the plus strand (C>G on the coding strand, the complement: FLNA is on the minus strand). VCF-style: chrX-154353012-G-C. GRCh37 (hg19) VCF-style: chrX-153581380-G-C.
Other names: c.6191C>G, p.Thr2064Ser (NM_001456.4); short protein forms T2064S, T2072S.
Identifiers: ClinVar variation 1414243 (VCV001414243.6), dbSNP rs2067633067, ClinGen allele CA415195025.

ClinVar aggregate classification (germline): Uncertain significance (1 of 4 stars; one submission).

Conditions:
Melnick-Needles syndrome (MNS). Also called: MELNICK-NEEDLES OSTEODYSPLASTY; Melnick-Needles Syndrome (FLNA-MNS); OSTEODYSPLASTY OF MELNICK AND NEEDLES. Identifiers: Orphanet 2484, MedGen C0025237, MONDO:0010650, OMIM 309350.
Frontometaphyseal dysplasia (FMD1). Identifiers: Orphanet 1826, MedGen C0265293, MONDO:0015942.
Heterotopia, periventricular, X-linked dominant (PVNH1). Also called: PERIVENTRICULAR NODULAR HETEROTOPIA 1; X-linked periventricular heterotopia; PERIVENTRICULAR NODULAR HETEROTOPIA 4; HETEROTOPIA, PERIVENTRICULAR, 1. Identifiers: Orphanet 2149, Orphanet 82004, MedGen C1848213, MONDO:0010233, OMIM 300049.
Oto-palato-digital syndrome, type II (OPD2). Also called: FACIOPALATOOSSEOUS SYNDROME; Otopalatodigital Syndrome Type 2 (FLNA-OPD2); OPD II SYNDROME; Otopalatodigital Syndrome, Type II. Identifiers: Orphanet 669, Orphanet 90652, MedGen C1844696, MONDO:0010571, OMIM 304120.

Submission:

Labcorp Genetics (formerly Invitae), Labcorp
Classification: Uncertain significance for Oto-palato-digital syndrome, type II; Heterotopia, periventricular, X-linked dominant; Frontometaphyseal dysplasia; Melnick-Needles syndrome. Last evaluated: 2021-11-08. Review status: criteria provided, single submitter. Criteria: Invitae Variant Classification Sherloc (09022015). Collection method: clinical testing. Allele origin: germline.
Comment: This sequence change replaces threonine, which is neutral and polar, with serine, which is neutral and polar, at codon 2064 of the FLNA protein (p.Thr2064Ser). This variant is not present in population databases (gnomAD no frequency). This variant has not been reported in the literature in individuals affected with FLNA-related conditions. Advanced modeling of protein sequence and biophysical properties (such as structural, functional, and spatial information, amino acid conservation, physicochemical variation, residue mobility, and thermodynamic stability) performed at Invitae indicates that this missense variant is not expected to disrupt FLNA protein function. In summary, the available evidence is currently insufficient to determine the role of this variant in disease. Therefore, it has been classified as a Variant of Uncertain Significance.